The following is an entry in ClinVar:

ClinVar aggregate classification (germline): Benign/Likely benign. Review status: criteria provided, multiple submitters, no conflicts (2 of 4 stars). 2 submissions from 2 submitters: Benign (1); Likely benign (1). Last evaluated 2024-09-26.

Conditions:
Familial melanoma. Also called: Hereditary melanoma; Hereditary cutaneous melanoma. Identifiers: Orphanet 618, MedGen C1512419, MONDO:0018961.
Melanoma, cutaneous malignant, susceptibility to, 3. Also called: Cutaneous malignant melanoma 3. Identifiers: Orphanet 618, MedGen C1836892, MONDO:0012183, OMIM 609048.

Allele frequency attached by ClinVar (database versions not stated): gnomAD exomes below 0.00001.
gnomAD v4.1: 1 of 1,614,148 alleles (0.000062%); highest among the groups gnomAD compares: Non-Finnish European, 0.000085%; no homozygotes.

Submissions (2):

Myriad Genetics, Inc.
Classification: Benign for Melanoma, cutaneous malignant, susceptibility to, 3. Last evaluated: 2024-09-26. Review status: criteria provided, single submitter. Criteria: Myriad Autosomal Dominant, Autosomal Recessive and X-Linked Classification Criteria (2023). Collection method: clinical testing. Allele origin: unknown.
Comment: This variant is considered benign. This variant is a silent/synonymous amino acid change and it is not expected to impact splicing.

Labcorp Genetics (formerly Invitae), Labcorp
Classification: Likely benign for Familial melanoma. Last evaluated: 2019-08-13. Review status: criteria provided, single submitter. Criteria: Invitae Variant Classification Sherloc (09022015). Collection method: clinical testing. Allele origin: germline.

NM_000075.4(CDK4):c.639C>T (p.Leu213=)

Genes: CDK4 (cyclin dependent kinase 4; minus strand), TSPAN31 (tetraspanin 31; plus strand). Cytogenetic location: 12q14.1.
Variant type: single nucleotide variant.
Coding change: c.639C>T on transcript NM_000075.4 (MANE Select); coding-DNA position 639, C replaced by T.
Protein change: p.Leu213=; no amino-acid change (leucine 213 retained).
Molecular consequence: synonymous variant. On other transcripts: 3 prime UTR variant (3).
Genome position (GRCh38, 1-based): chr12:57,749,498, G>A on the plus strand (C>T on the coding strand, the complement: CDK4 is on the minus strand). VCF-style: chr12-57749498-G-A. GRCh37 (hg19) VCF-style: chr12-58143281-G-A.
Other names: c.*2208G>A (NM_001330168.2, NM_001330169.2, NM_005981.5).
Identifiers: ClinVar variation 1145875 (VCV001145875.10), dbSNP rs2140383965, ClinGen allele CA385544270.